The following is an entry in ClinVar:

NM_024529.5(CDC73):c.752C>G (p.Ala251Gly)

Gene: CDC73 (cell division cycle 73; plus strand). Cytogenetic location: 1q31.2.
Variant type: single nucleotide variant.
Coding change: c.752C>G on transcript NM_024529.5 (MANE Select); coding-DNA position 752, C replaced by G.
Protein change: p.Ala251Gly; replaces alanine 251 with glycine.
Molecular consequence: missense variant.
Genome position (GRCh38, 1-based): chr1:193,147,889, C>G. VCF-style: chr1-193147889-C-G. GRCh37 (hg19) VCF-style: chr1-193117019-C-G.
Other names: short protein forms A251G.
Identifiers: ClinVar variation 1378513 (VCV001378513.6), dbSNP rs2103130541, ClinGen allele CA343963881.

ClinVar aggregate classification (germline): Uncertain significance (1 of 4 stars; one submission).

Conditions:
Parathyroid carcinoma (PRTC). Also called: CDC73-Related Parathyroid Carcinoma; Parathyroid gland carcinoma. Identifiers: Orphanet 143, MedGen C0687150, MONDO:0012004, OMIM 608266, HP:0006780.

Submission:

Labcorp Genetics (formerly Invitae), Labcorp
Classification: Uncertain significance for Parathyroid carcinoma. Last evaluated: 2021-09-04. Review status: criteria provided, single submitter. Criteria: Invitae Variant Classification Sherloc (09022015). Collection method: clinical testing. Allele origin: germline.
Comment: In summary, the available evidence is currently insufficient to determine the role of this variant in disease. Therefore, it has been classified as a Variant of Uncertain Significance. Algorithms developed to predict the effect of missense changes on protein structure and function (SIFT, PolyPhen-2, Align-GVGD) all suggest that this variant is likely to be tolerated. This variant has not been reported in the literature in individuals affected with CDC73-related conditions. This variant is not present in population databases (ExAC no frequency). This sequence change replaces alanine with glycine at codon 251 of the CDC73 protein (p.Ala251Gly). The alanine residue is highly conserved and there is a small physicochemical difference between alanine and glycine.